The following is an entry in ClinVar:

ClinVar aggregate classification (germline): Pathogenic/Likely pathogenic. Review status: criteria provided, multiple submitters, no conflicts (2 of 4 stars). 2 submissions from 2 submitters: Pathogenic (1); Likely pathogenic (1). Last evaluated 2024-03-23.

Conditions:
Pulmonary hypertension, neonatal, susceptibility to (PHN). Identifiers: MedGen C3714958, MONDO:0014151, OMIM 615371.
Congenital hyperammonemia, type I. Also called: Carbamoyl-phosphate synthase I deficiency; CPS I DEFICIENCY; Carbamoyl phosphate synthetase I deficiency disease; Carbamoyl phosphate synthetase 1 deficiency; Hyperammonemia due to carbamoyl phosphate synthetase 1 deficiency; CPS 1 deficiency. Identifiers: Orphanet 147, MedGen C4082171, MONDO:0009376, OMIM 237300.

Submissions (2):

Baylor Genetics
Classification: Likely pathogenic for Pulmonary hypertension, neonatal, susceptibility to. Last evaluated: 2024-03-23. Review status: criteria provided, single submitter. Criteria: ACMG Guidelines, 2015. Collection method: clinical testing. Allele origin: unknown.

Labcorp Genetics (formerly Invitae), Labcorp
Classification: Pathogenic for Congenital hyperammonemia, type I. Last evaluated: 2023-09-19. Review status: criteria provided, single submitter. Criteria: Invitae Variant Classification Sherloc (09022015). Collection method: clinical testing. Allele origin: germline.
Comment: This variant has not been reported in the literature in individuals affected with CPS1-related conditions. For these reasons, this variant has been classified as Pathogenic. This sequence change creates a premature translational stop signal (p.Trp833*) in the CPS1 gene. It is expected to result in an absent or disrupted protein product. Loss-of-function variants in CPS1 are known to be pathogenic (PMID: 21120950). This variant is not present in population databases (gnomAD no frequency).

Literature cited by the submitters: PubMed 21120950 (cited by Labcorp Genetics (formerly Invitae), Labcorp).

NM_001875.5(CPS1):c.2499G>A (p.Trp833Ter)

Gene: CPS1 (carbamoyl-phosphate synthase 1; plus strand). Cytogenetic location: 2q34.
Variant type: single nucleotide variant.
Coding change: c.2499G>A on transcript NM_001875.5 (MANE Select); coding-DNA position 2499, G replaced by A.
Protein change: p.Trp833Ter; replaces tryptophan 833 with a stop codon.
Molecular consequence: nonsense. On other transcripts: non-coding transcript variant (2).
Genome position (GRCh38, 1-based): chr2:210,612,224, G>A. VCF-style: chr2-210612224-G-A. GRCh37 (hg19) VCF-style: chr2-211476948-G-A.
Other names: c.2499G>A, p.Trp833Ter (NM_001122633.3, NM_001369257.1); c.2532G>A, p.Trp844Ter (NM_001369256.1); short protein forms W833*, W844*.
Identifiers: ClinVar variation 2739489 (VCV002739489.4), dbSNP rs2469186735, ClinGen allele CA350440464.